The following is an entry in ClinVar:

ClinVar aggregate classification (germline): Uncertain significance (1 of 4 stars; one submission).

gnomAD v4.1: 1 of 1,612,496 alleles (0.000062%); highest among the groups gnomAD compares: Non-Finnish European, 0.000085%; no homozygotes.

Submission:

Ambry Genetics
Classification: Uncertain significance. Last evaluated: 2024-12-14. Review status: criteria provided, single submitter. Criteria: Ambry Variant Classification Scheme 2023. Collection method: clinical testing. Allele origin: germline.
Comment: The p.K301I variant (also known as c.902A>T), located in coding exon 9 of the SRP72 gene, results from an A to T substitution at nucleotide position 902. The lysine at codon 301 is replaced by isoleucine, an amino acid with dissimilar properties. This amino acid position is conserved. In addition, the in silico prediction for this alteration is inconclusive. Based on the available evidence, the clinical significance of this variant remains unclear.

NM_006947.4(SRP72):c.902A>T (p.Lys301Ile)

Gene: SRP72 (signal recognition particle 72; plus strand). Cytogenetic location: 4q12.
Variant type: single nucleotide variant.
Coding change: c.902A>T on transcript NM_006947.4 (MANE Select); coding-DNA position 902, A replaced by T.
Protein change: p.Lys301Ile; replaces lysine 301 with isoleucine.
Molecular consequence: missense variant. On other transcripts: non-coding transcript variant (1).
Genome position (GRCh38, 1-based): chr4:56,483,215, A>T. VCF-style: chr4-56483215-A-T. GRCh37 (hg19) VCF-style: chr4-57349381-A-T.
Other names: c.719A>T, p.Lys240Ile (NM_001267722.2); short protein forms K301I, K240I.
Identifiers: ClinVar variation 3801404 (VCV003801404.1).